The following is an entry in ClinVar:

ClinVar aggregate classification (germline): Uncertain significance. Review status: criteria provided, multiple submitters, no conflicts (2 of 4 stars). 2 submissions from 2 submitters: Uncertain significance (2). Last evaluated 2025-05-20.

Conditions:
Inborn genetic diseases. Identifiers: MedGen C0950123, MeSH D030342.
Hereditary sensory and autonomic neuropathy type 7. Also called: HSAN VII; Neuropathy, hereditary sensory and autonomic, type VII. Identifiers: Orphanet 391397, MedGen C3809882, MONDO:0014244, OMIM 615548.
Familial episodic pain syndrome with predominantly lower limb involvement. Also called: Episodic pain syndrome, familial, 3. Identifiers: Orphanet 391384, Orphanet 391392, MedGen C3809899, MONDO:0014247, OMIM 615552.

Allele frequency attached by ClinVar (database versions not stated): ExAC 0.00001; gnomAD 0.00001; TOPMed 0.00001.
gnomAD v4.1: 12 of 1,613,488 alleles (0.00074%); highest among the groups gnomAD compares: Non-Finnish European, 0.001%; no homozygotes.

Submissions (2):

Ambry Genetics
Classification: Uncertain significance for Inborn genetic diseases. Last evaluated: 2025-05-20. Review status: criteria provided, single submitter. Criteria: Ambry Variant Classification Scheme 2023. Collection method: clinical testing. Allele origin: germline.

Labcorp Genetics (formerly Invitae), Labcorp
Classification: Uncertain significance for Familial episodic pain syndrome with predominantly lower limb involvement; Hereditary sensory and autonomic neuropathy type 7. Last evaluated: 2023-11-01. Review status: criteria provided, single submitter. Criteria: Invitae Variant Classification Sherloc (09022015). Collection method: clinical testing. Allele origin: germline.
Comment: This sequence change replaces aspartic acid, which is acidic and polar, with histidine, which is basic and polar, at codon 1791 of the SCN11A protein (p.Asp1791His). This variant is present in population databases (rs772016847, gnomAD 0.002%). This variant has not been reported in the literature in individuals affected with SCN11A-related conditions. An algorithm developed to predict the effect of missense changes on protein structure and function (PolyPhen-2) suggests that this variant is likely to be disruptive. In summary, the available evidence is currently insufficient to determine the role of this variant in disease. Therefore, it has been classified as a Variant of Uncertain Significance.

NM_001349253.2(SCN11A):c.5371G>C (p.Asp1791His)

Gene: SCN11A (sodium voltage-gated channel alpha subunit 11; minus strand). Cytogenetic location: 3p22.2.
Variant type: single nucleotide variant.
Coding change: c.5371G>C on transcript NM_001349253.2 (MANE Select); coding-DNA position 5371, G replaced by C.
Protein change: p.Asp1791His; replaces aspartic acid 1791 with histidine.
Molecular consequence: missense variant.
Genome position (GRCh38, 1-based): chr3:38,846,699, C>G on the plus strand (G>C on the coding strand, the complement: SCN11A is on the minus strand). VCF-style: chr3-38846699-C-G. GRCh37 (hg19) VCF-style: chr3-38888190-C-G.
Other names: c.5371G>C, p.Asp1791His (NM_014139.3); c.5371G>C (NM_014139.2); short protein forms D1791H.
Identifiers: ClinVar variation 2951554 (VCV002951554.4), dbSNP rs772016847, ClinGen allele CA2321344.